The following is an entry in ClinVar:

NM_001145073.3(USP27X):c.1032G>C (p.Glu344Asp)

Gene: USP27X (ubiquitin specific peptidase 27 X-linked; plus strand). Cytogenetic location: Xp11.23.
Variant type: single nucleotide variant.
Coding change: c.1032G>C on transcript NM_001145073.3 (MANE Select); coding-DNA position 1032, G replaced by C.
Protein change: p.Glu344Asp; replaces glutamic acid 344 with aspartic acid.
Molecular consequence: missense variant.
Genome position (GRCh38, 1-based): chrX:49,881,339, G>C. VCF-style: chrX-49881339-G-C. GRCh37 (hg19) VCF-style: chrX-49645942-G-C.
Other names: short protein forms E344D.
Identifiers: ClinVar variation 1805819 (VCV001805819.2), dbSNP rs369350486, ClinGen allele CA10413423.

ClinVar aggregate classification (germline): Uncertain significance (1 of 4 stars; one submission).

Conditions:
Intellectual developmental disorder, X-linked 105. Also called: Intellectual disability, X-linked 105. Identifiers: MedGen C4310816, MONDO:0010510, OMIM 300984.

Allele frequency attached by ClinVar (database versions not stated): ESP Exome Variant Server 0.00028; gnomAD 0.00004; gnomAD exomes 0.00010; ExAC 0.00015; TOPMed 0.00001.

Submission:

Victorian Clinical Genetics Services, Murdoch Childrens Research Institute
Classification: Uncertain significance for Intellectual developmental disorder, X-linked 105. Last evaluated: 2020-05-26. Review status: criteria provided, single submitter. Criteria: ACMG Guidelines, 2015. Collection method: clinical testing. Allele origin: germline. Inheritance: X-linked inheritance.
Comment: Based on the classification scheme VCGS_Germline_v1.1.1, this variant is classified as VUS – 3C. Following criteria are met: 0105 - The mechanism of disease for this gene is not clearly established. (N) 0109 - This gene is known to be associated with X-linked recessive disease. (N) 0200 - Variant is predicted to result in a missense amino acid change from glutamic acid to aspartic acid (exon 1). (N) 0253 - Variant is hemizygous. (N) 0304 - Variant is present in gnomAD <0.01 for a recessive condition (5 heterozygotes, 1 hemizygote). (P) 0504 - Same amino acid change has been observed in mammals. (B) 0600 - Variant is located in an annotated domain or motif, (UCH domain; PDB). (N) 0705 - No comparable variants have previous evidence for pathogenicity. (N) 0807 - Variant has not previously been reported in a clinical context. (N) 0905 - No segregation evidence has been identified for this variant. (N) 1007 - No published functional evidence has been identified for this variant. (N) 1208 - Inheritance information for this variant is not currently available. (N) Legend: (P) - Pathogenic, (N) - Neutral, (B) - Benign